The following is an entry in ClinVar:

ClinVar aggregate classification (germline): Pathogenic. Review status: criteria provided, multiple submitters, no conflicts (2 of 4 stars). 2 submissions from 2 submitters: Pathogenic (2). Last evaluated 2024-07-03.

Conditions:
Cardiovascular phenotype. Identifiers: MedGen CN230736.
Hereditary cancer-predisposing syndrome. Also called: Neoplastic Syndromes, Hereditary; Hereditary Cancer Syndrome; Tumor predisposition; Hereditary neoplastic syndrome. Identifiers: Orphanet 140162, MedGen C0027672, MeSH D009386, MONDO:0015356.

Submissions (2):

Labcorp Genetics (formerly Invitae), Labcorp
Classification: Pathogenic. Last evaluated: 2024-07-03. Review status: criteria provided, single submitter. Criteria: Invitae Variant Classification Sherloc (09022015). Collection method: clinical testing. Allele origin: germline.
Comment: This sequence change creates a premature translational stop signal (p.Met695Valfs*86) in the LZTR1 gene. It is expected to result in an absent or disrupted protein product. Loss-of-function variants in LZTR1 are known to be pathogenic (PMID: 24362817, 25335493, 25480913, 25795793, 29469822, 30368668, 30442762, 30442766, 30481304, 30859559). This variant is not present in population databases (gnomAD no frequency). This variant has not been reported in the literature in individuals affected with LZTR1-related conditions. ClinVar contains an entry for this variant (Variation ID: 2447728). For these reasons, this variant has been classified as Pathogenic.

Ambry Genetics
Classification: Pathogenic for Cardiovascular phenotype; Hereditary cancer-predisposing syndrome. Last evaluated: 2023-01-04. Review status: criteria provided, single submitter. Criteria: Ambry Variant Classification Scheme 2023. Collection method: clinical testing. Allele origin: germline.
Comment: The c.2083_2084delAT pathogenic mutation, located in coding exon 18 of the LZTR1 gene, results from a deletion of two nucleotides at nucleotide positions 2083 to 2084, causing a translational frameshift with a predicted alternate stop codon (p.M695Vfs*86). This alteration is expected to result in loss of function by premature protein truncation or nonsense-mediated mRNA decay. Loss-of-function variants in LZTR1 are related to an increased risk for schwannomas and autosomal recessive Noonan syndrome; however, such associations with autosomal dominant Noonan syndrome have not been observed (Piotrowski A et al. Nat Genet. 2014 Feb;46:182-7; Yamamoto GL et al. J Med Genet. 2015 Jun;52:413-21; Johnston JJ et al. Genet Med. 2018 10;20:1175-1185). Based on the supporting evidence, this variant is pathogenic for an increased risk of LZTR1-related schwannomatosis (SWN) and would be expected to cause autosomal recessive Noonan syndrome when present along with a second pathogenic or likely pathogenic variant on the other allele; however, the association of this alteration with autosomal dominant Noonan syndrome is unlikely.

Literature cited by the submitters: PubMed 24362817 (cited by Labcorp Genetics (formerly Invitae), Labcorp); PubMed 25335493 (cited by Labcorp Genetics (formerly Invitae), Labcorp); PubMed 25480913 (cited by Labcorp Genetics (formerly Invitae), Labcorp); PubMed 25795793 (cited by Labcorp Genetics (formerly Invitae), Labcorp); PubMed 29469822 (cited by Labcorp Genetics (formerly Invitae), Labcorp); PubMed 30368668 (cited by Labcorp Genetics (formerly Invitae), Labcorp); PubMed 30442762 (cited by Labcorp Genetics (formerly Invitae), Labcorp); PubMed 30442766 (cited by Labcorp Genetics (formerly Invitae), Labcorp); PubMed 30481304 (cited by Labcorp Genetics (formerly Invitae), Labcorp); PubMed 30859559 (cited by Labcorp Genetics (formerly Invitae), Labcorp).

NM_006767.4(LZTR1):c.2083_2084del (p.Met695fs)

Gene: LZTR1 (leucine zipper like post translational regulator 1; plus strand). Cytogenetic location: 22q11.21.
Variant type: Deletion.
Coding change: c.2083_2084del on transcript NM_006767.4 (MANE Select); coding-DNA positions 2083 to 2084, 2 bases deleted (AT; older notation c.2083_2084delAT).
Protein change: p.Met695fs; shifts the reading frame from methionine 695.
Molecular consequence: frameshift variant.
Genome position (GRCh38, 1-based): chr22:20,995,976-20,995,977, AT deleted. VCF-style (leftmost placement, unchanged base first): chr22-20995975-CAT-C. GRCh37 (hg19) VCF-style: chr22-21350264-CAT-C.
Other names: short protein forms M695fs.
Identifiers: ClinVar variation 2447728 (VCV002447728.4), dbSNP rs2518624405, ClinGen allele CA2580099280.